The following is an entry in ClinVar:

NM_031407.7(HUWE1):c.11394G>C (p.Gln3798His)

Gene: HUWE1 (HECT, UBA and WWE domain containing E3 ubiquitin protein ligase 1; minus strand). Cytogenetic location: Xp11.22.
Variant type: single nucleotide variant.
Coding change: c.11394G>C on transcript NM_031407.7 (MANE Select); coding-DNA position 11394, G replaced by C.
Protein change: p.Gln3798His; replaces glutamine 3798 with histidine.
Molecular consequence: missense variant.
Genome position (GRCh38, 1-based): chrX:53,542,525, C>G on the plus strand (G>C on the coding strand, the complement: HUWE1 is on the minus strand). VCF-style: chrX-53542525-C-G. GRCh37 (hg19) VCF-style: chrX-53569486-C-G.
Other names: short protein forms Q3798H.
Identifiers: ClinVar variation 3346744 (VCV003346744.1).
Genomic context (GRCh38, chrX:53,542,525, plus strand): 5'-ACTGGGAGATGGCTGGTCCACATCCATGGGTGATTCCTCCCTCCGGACAGACGCCTCTGA[C>G]TGGCTAGACTCCGACTGGATAAAAGGGAGACAAAAATCACATAAGGGTGCAACTCTGCTT-3'
Protein context (NP_113584.3, residues 3788-3808): QQQAATSESS[Gln3798His]SEASVRREES

ClinVar aggregate classification (germline): Uncertain significance (0 of 4 stars; one submission).

Conditions:
HUWE1-related disorder. Also called: HUWE1-related condition.

Submission:

PreventionGenetics, part of Exact Sciences
Classification: Uncertain significance for HUWE1-related condition. Last evaluated: 2024-07-13. Review status: no assertion criteria provided. Collection method: clinical testing. Allele origin: germline.
Comment: The HUWE1 c.11394G>C variant is predicted to result in the amino acid substitution p.Gln3798His. To our knowledge, this variant has not been reported in the literature or in a large population database, indicating it is rare. At this time, the clinical significance of this variant is uncertain due to the absence of conclusive functional and genetic evidence.